The following is an entry in ClinVar:

ClinVar aggregate classification (germline): Uncertain significance (1 of 4 stars; one submission).

Submission:

Labcorp Genetics (formerly Invitae), Labcorp
Classification: Uncertain significance. Last evaluated: 2022-07-14. Review status: criteria provided, single submitter. Criteria: Invitae Variant Classification Sherloc (09022015). Collection method: clinical testing. Allele origin: germline.
Comment: In summary, the available evidence is currently insufficient to determine the role of this variant in disease. Therefore, it has been classified as a Variant of Uncertain Significance. This variant disrupts the p.Tyr242 amino acid residue in GFAP. Other variant(s) that disrupt this residue have been observed in individuals with GFAP-related conditions (PMID: 12034785, 28448978), which suggests that this may be a clinically significant amino acid residue. Algorithms developed to predict the effect of missense changes on protein structure and function (SIFT, PolyPhen-2, Align-GVGD) all suggest that this variant is likely to be disruptive. This missense change has been observed in individual(s) with clinical features of Alexander disease (Invitae). This variant is not present in population databases (gnomAD no frequency). This sequence change replaces tyrosine, which is neutral and polar, with cysteine, which is neutral and slightly polar, at codon 242 of the GFAP protein (p.Tyr242Cys).

Literature cited by the submitters: PubMed 12034785; PubMed 28448978.

NM_002055.5(GFAP):c.725A>G (p.Tyr242Cys)

Gene: GFAP (glial fibrillary acidic protein; minus strand). Cytogenetic location: 17q21.31.
Variant type: single nucleotide variant.
Coding change: c.725A>G on transcript NM_002055.5 (MANE Select); coding-DNA position 725, A replaced by G.
Protein change: p.Tyr242Cys; replaces tyrosine 242 with cysteine.
Molecular consequence: missense variant.
Genome position (GRCh38, 1-based): chr17:44,913,324, T>C on the plus strand (A>G on the coding strand, the complement: GFAP is on the minus strand). VCF-style: chr17-44913324-T-C. GRCh37 (hg19) VCF-style: chr17-42990692-T-C.
Other names: c.725A>G, p.Tyr242Cys (NM_001131019.3, NM_001242376.3, NM_001363846.2); short protein forms Y242C.
Identifiers: ClinVar variation 1954232 (VCV001954232.5), dbSNP rs2508940303, ClinGen allele CA399845688.
Genomic context (GRCh38, chr17:44,913,324, plus strand): 5'-GCTACCTTGGAGCGGTACCACTCTTCGGCTTCATGCATGTTGCTGGACGCCATTGCCTCA[T>C]ACTGCGTGCGGATCTCTTTCAGGGCTGCGGTGAGGTCTGGCTTGGCCACGTCAAGCTCCA-3'
Protein context (NP_002046.1, residues 232-252): TAALKEIRTQ[Tyr242Cys]EAMASSNMHE